The following is an entry in ClinVar:

NM_018136.5(ASPM):c.3229A>T (p.Lys1077Ter)

Gene: ASPM (assembly factor for spindle microtubules; minus strand). Cytogenetic location: 1q31.3.
Variant type: single nucleotide variant.
Coding change: c.3229A>T on transcript NM_018136.5 (MANE Select); coding-DNA position 3229, A replaced by T.
Protein change: p.Lys1077Ter; replaces lysine 1077 with a stop codon.
Molecular consequence: nonsense.
Genome position (GRCh38, 1-based): chr1:197,124,271, T>A on the plus strand (A>T on the coding strand, the complement: ASPM is on the minus strand). VCF-style: chr1-197124271-T-A. GRCh37 (hg19) VCF-style: chr1-197093401-T-A.
Other names: c.3229A>T, p.Lys1077Ter (NM_001206846.2); short protein forms K1077*.
Identifiers: ClinVar variation 620375 (VCV000620375.3), dbSNP rs139317695, ClinGen allele CA344042646.
Genomic context (GRCh38, chr1:197,124,271, plus strand): 5'-TCTTATTAATAAGATCATCAGAATGGCATGATAGTAGAGATATTGTTTTCTTTATACTCT[T>A]TGTGTGTTTTAGAAAGGCAATTTCTTCCTTTAATTGATCTAAGTTAAGGGAAATATCCAC-3'

ClinVar aggregate classification (germline): Pathogenic (1 of 4 stars; one submission).

gnomAD v4.1: 1 of 1,606,928 alleles (0.000062%); highest among the groups gnomAD compares: Non-Finnish European, 0.000085%; no homozygotes.

Submission:

GeneDx
Classification: Pathogenic. Last evaluated: 2023-11-14. Review status: criteria provided, single submitter. Criteria: GeneDx Variant Classification Process June 2021. Collection method: clinical testing. Allele origin: germline. Affected: yes.
Comment: Nonsense variant predicted to result in protein truncation or nonsense mediated decay in a gene for which loss of function is a known mechanism of disease; Not observed at significant frequency in large population cohorts (gnomAD); Has not been previously published as pathogenic or benign to our knowledge